The following is an entry in ClinVar:

ClinVar aggregate classification (germline): Uncertain significance (1 of 4 stars; one submission).

Allele frequency attached by ClinVar (database versions not stated): ExAC 0.00001; gnomAD 0.00001; gnomAD exomes 0.00001; TOPMed 0.00002.
gnomAD v4.1: 1 of 1,613,902 alleles (0.000062%); highest among the groups gnomAD compares: Non-Finnish European, 0.000085%; no homozygotes.

Submission:

Labcorp Genetics (formerly Invitae), Labcorp
Classification: Uncertain significance. Last evaluated: 2022-06-27. Review status: criteria provided, single submitter. Criteria: Invitae Variant Classification Sherloc (09022015). Collection method: clinical testing. Allele origin: germline.
Comment: In summary, the available evidence is currently insufficient to determine the role of this variant in disease. Therefore, it has been classified as a Variant of Uncertain Significance. Advanced modeling of protein sequence and biophysical properties (such as structural, functional, and spatial information, amino acid conservation, physicochemical variation, residue mobility, and thermodynamic stability) performed at Invitae indicates that this missense variant is not expected to disrupt FAT4 protein function. This variant has not been reported in the literature in individuals affected with FAT4-related conditions. This variant is present in population databases (rs779280729, gnomAD 0.0009%). This sequence change replaces glutamic acid, which is acidic and polar, with lysine, which is basic and polar, at codon 4247 of the FAT4 protein (p.Glu4247Lys).

NM_001291303.3(FAT4):c.12745G>A (p.Glu4249Lys)

Gene: FAT4 (FAT atypical cadherin 4; plus strand). Cytogenetic location: 4q28.1.
Variant type: single nucleotide variant.
Coding change: c.12745G>A on transcript NM_001291303.3 (MANE Select); coding-DNA position 12745, G replaced by A.
Protein change: p.Glu4249Lys; replaces glutamic acid 4249 with lysine.
Molecular consequence: missense variant.
Genome position (GRCh38, 1-based): chr4:125,481,661, G>A. VCF-style: chr4-125481661-G-A. GRCh37 (hg19) VCF-style: chr4-126402816-G-A.
Other names: c.12745G>A, p.Glu4249Lys (NM_001291285.3); c.12739G>A, p.Glu4247Lys (NM_024582.6); short protein forms E4247K, E4249K.
Identifiers: ClinVar variation 1372301 (VCV001372301.8), dbSNP rs779280729, ClinGen allele CA3074175.